The following is an entry in ClinVar:

NM_001040142.2(SCN2A):c.2211G>T (p.Leu737Phe)

Gene: SCN2A (sodium voltage-gated channel alpha subunit 2; plus strand). Cytogenetic location: 2q24.3.
Variant type: single nucleotide variant.
Coding change: c.2211G>T on transcript NM_001040142.2 (MANE Select); coding-DNA position 2211, G replaced by T.
Protein change: p.Leu737Phe; replaces leucine 737 with phenylalanine.
Molecular consequence: missense variant.
Genome position (GRCh38, 1-based): chr2:165,331,391, G>T. VCF-style: chr2-165331391-G-T. GRCh37 (hg19) VCF-style: chr2-166187901-G-T.
Other names: c.2211G>T, p.Leu737Phe (NM_001040143.2, NM_001371246.1, NM_001371247.1 and 1 more transcripts); short protein forms L737F.
Identifiers: ClinVar variation 3383174 (VCV003383174.2).
Genomic context (GRCh38, chr2:165,331,391, plus strand): 5'-ACTTGAAGAATCCAGACAGAAATGCCCACCATGCTGGTATAAATTTGCTAATATGTGTTT[G>T]ATTTGGGACTGTTGTAAACCATGGTTAAAGGTGAAACACCTTGTCAACCTGGTTGTAATG-3'
Protein context (NP_001035232.1, residues 727-747): PCWYKFANMC[Leu737Phe]IWDCCKPWLK

ClinVar aggregate classification (germline): Uncertain significance (1 of 4 stars; one submission).

Conditions:
Seizures, benign familial infantile, 3 (BFIS3). Also called: CONVULSIONS, BENIGN FAMILIAL INFANTILE, 3; Familial neonatal seizures. Identifiers: Orphanet 140927, Orphanet 306, MedGen C1843140, MONDO:0011904, OMIM 607745.
Episodic ataxia, type 9. Identifiers: MedGen C5394520, MONDO:0030064, OMIM 618924.
Developmental and epileptic encephalopathy, 11 (DEE11). Also called: Early infantile epileptic encephalopathy 11. Identifiers: Orphanet 1934, MedGen C3150987, MONDO:0013388, OMIM 613721.

gnomAD v4.1: 1 of 1,613,806 alleles (0.000062%); highest among the groups gnomAD compares: Non-Finnish European, 0.000085%; no homozygotes.

Submission:

Juno Genomics, Hangzhou Juno Genomics, Inc
Classification: Uncertain significance for Developmental and epileptic encephalopathy, 11; Episodic ataxia, type 9; Seizures, benign familial infantile, 3. Review status: criteria provided, single submitter. Criteria: ACMG Guidelines, 2015. Collection method: clinical testing. Allele origin: germline. Affected: yes.
Comment: Absent from controls (or at extremely low frequency if recessive) in Genome Aggregation Database, Exome Sequencing Project, 1000 Genomes Project, or Exome Aggregation Consortium.;Multiple lines of computational evidence support a deleterious effect on the gene or gene product (conservation, evolutionary, splicing impact, etc).;Missense variant in a gene that has a low rate of benign missense variation and where missense variants are a common mechanism of disease.